The following is an entry in ClinVar:

NM_006361.6(HOXB13):c.820G>T (p.Val274Phe)

Gene: HOXB13 (homeobox B13; minus strand). Cytogenetic location: 17q21.32.
Variant type: single nucleotide variant.
Coding change: c.820G>T on transcript NM_006361.6 (MANE Select); coding-DNA position 820, G replaced by T.
Protein change: p.Val274Phe; replaces valine 274 with phenylalanine.
Molecular consequence: missense variant.
Genome position (GRCh38, 1-based): chr17:48,726,825, C>A on the plus strand (G>T on the coding strand, the complement: HOXB13 is on the minus strand). VCF-style: chr17-48726825-C-A. GRCh37 (hg19) VCF-style: chr17-46804187-C-A.
Other names: short protein forms V274F.
Identifiers: ClinVar variation 960241 (VCV000960241.9), dbSNP rs755838178, ClinGen allele CA8633904.
Genomic context (GRCh38, chr17:48,726,825, plus strand): 5'-CCTCCCACCCAGGCAAGGAGATCTCTTAAGGGGTAGCGCTGTTCTTCACCTTGGCGAGAA[C>A]CTTCTTCTCTTTGACCCGGCGGTTCTGAAACCAGATGGTAATCTGGCGCTCCGAGAGGCT-3'
Protein context (NP_006352.2, residues 264-284): FQNRRVKEKK[Val274Phe]LAKVKNSATP

ClinVar aggregate classification (germline): Uncertain significance (1 of 4 stars; one submission).

Allele frequency attached by ClinVar (database versions not stated): gnomAD exomes below 0.00001; ExAC 0.00001.
gnomAD v4.1: 1 of 1,614,188 alleles (0.000062%); no homozygotes.

Submission:

Labcorp Genetics (formerly Invitae), Labcorp
Classification: Uncertain significance. Last evaluated: 2024-09-30. Review status: criteria provided, single submitter. Criteria: Invitae Variant Classification Sherloc (09022015). Collection method: clinical testing. Allele origin: germline.
Comment: This sequence change replaces valine, which is neutral and non-polar, with phenylalanine, which is neutral and non-polar, at codon 274 of the HOXB13 protein (p.Val274Phe). This variant is present in population databases (rs755838178, gnomAD 0.0009%). This variant has not been reported in the literature in individuals affected with HOXB13-related conditions. ClinVar contains an entry for this variant (Variation ID: 960241). Invitae Evidence Modeling of protein sequence and biophysical properties (such as structural, functional, and spatial information, amino acid conservation, physicochemical variation, residue mobility, and thermodynamic stability) indicates that this missense variant is not expected to disrupt HOXB13 protein function with a negative predictive value of 80%. In summary, the available evidence is currently insufficient to determine the role of this variant in disease. Therefore, it has been classified as a Variant of Uncertain Significance.